The following is an entry in ClinVar:

ClinVar aggregate classification (germline): Uncertain significance (1 of 4 stars; one submission).

gnomAD v4.1: 1 of 1,613,832 alleles (0.000062%); highest among the groups gnomAD compares: Non-Finnish European, 0.000085%; no homozygotes.

Submission:

Labcorp Genetics (formerly Invitae), Labcorp
Classification: Uncertain significance. Last evaluated: 2023-07-16. Review status: criteria provided, single submitter. Criteria: Invitae Variant Classification Sherloc (09022015). Collection method: clinical testing. Allele origin: germline.
Comment: In summary, the available evidence is currently insufficient to determine the role of this variant in disease. Therefore, it has been classified as a Variant of Uncertain Significance. Advanced modeling of protein sequence and biophysical properties (such as structural, functional, and spatial information, amino acid conservation, physicochemical variation, residue mobility, and thermodynamic stability) performed at Invitae indicates that this missense variant is not expected to disrupt TFRC protein function. This variant has not been reported in the literature in individuals affected with TFRC-related conditions. This variant is not present in population databases (gnomAD no frequency). This sequence change replaces glycine, which is neutral and non-polar, with aspartic acid, which is acidic and polar, at codon 420 of the TFRC protein (p.Gly420Asp).

NM_001128148.3(TFRC):c.1259G>A (p.Gly420Asp)

Gene: TFRC (transferrin receptor; minus strand). Cytogenetic location: 3q29.
Variant type: single nucleotide variant.
Coding change: c.1259G>A on transcript NM_001128148.3 (MANE Select); coding-DNA position 1259, G replaced by A.
Protein change: p.Gly420Asp; replaces glycine 420 with aspartic acid.
Molecular consequence: missense variant.
Genome position (GRCh38, 1-based): chr3:196,064,368, C>T on the plus strand (G>A on the coding strand, the complement: TFRC is on the minus strand). VCF-style: chr3-196064368-C-T. GRCh37 (hg19) VCF-style: chr3-195791239-C-T.
Other names: c.1016G>A, p.Gly339Asp (NM_001313965.2); c.413G>A, p.Gly138Asp (NM_001313966.2); c.1259G>A, p.Gly420Asp (NM_003234.4); short protein forms G138D, G339D, G420D.
Identifiers: ClinVar variation 2743930 (VCV002743930.3), dbSNP rs1717536599, ClinGen allele CA355571471.
Genomic context (GRCh38, chr3:196,064,368, plus strand): 5'-CCTTTTAAGACCATATCTGAGAACATCTGGGCAAGTTTCAATAGGAGAGCTGTGCCTACA[C>T]CGGATTTTGCAGCTCCAGGGCCCCATGCATCTCTCTGGGCCCCAACTACAACATAGTGAT-3'
Protein context (NP_001121620.1, residues 410-430): DAWGPGAAKS[Gly420Asp]VGTALLLKLA